The following is an entry in ClinVar:

NM_004370.6(COL12A1):c.4888T>C (p.Tyr1630His)

Gene: COL12A1 (collagen type XII alpha 1 chain; minus strand). Cytogenetic location: 6q13.
Variant type: single nucleotide variant.
Coding change: c.4888T>C on transcript NM_004370.6 (MANE Select); coding-DNA position 4888, T replaced by C.
Protein change: p.Tyr1630His; replaces tyrosine 1630 with histidine.
Molecular consequence: missense variant.
Genome position (GRCh38, 1-based): chr6:75,142,101, A>G on the plus strand (T>C on the coding strand, the complement: COL12A1 is on the minus strand). VCF-style: chr6-75142101-A-G. GRCh37 (hg19) VCF-style: chr6-75851817-A-G.
Other names: c.1396T>C, p.Tyr466His (NM_080645.3); short protein forms Y466H, Y1630H.
Identifiers: ClinVar variation 662453 (VCV000662453.12), dbSNP rs759038011, ClinGen allele CA364740753.
Genomic context (GRCh38, chr6:75,142,101, plus strand): 5'-CTTGAGCAGTCACTGGAGGAGACTCCCCCTCGTCATGTACTGCAGAAACGCTGACTGTGT[A>G]CAAGGTCTGTGAGAAGAGGTCTTTGAGGGAAGTGCTGGTCTCTGATCTGTCCACCTCTAC-3'
Protein context (NP_004361.3, residues 1620-1640): SLKDLFSQTL[Tyr1630His]TVSVSAVHDE

ClinVar aggregate classification (germline): Uncertain significance. Review status: criteria provided, multiple submitters, no conflicts (2 of 4 stars). 3 submissions from 3 submitters: Uncertain significance (3). Last evaluated 2025-06-04.

Conditions:
Ullrich congenital muscular dystrophy 2 (UCMD2). Identifiers: Orphanet 75840, MedGen C4225314, MONDO:0014654, OMIM 616470.
Bethlem myopathy 2 (BTHLM2). Identifiers: Orphanet 536516, Orphanet 610, MedGen C4225313, MONDO:0034022, OMIM 616471.
Inborn genetic diseases. Identifiers: MedGen C0950123, MeSH D030342.

Submissions (3):

GeneDx
Classification: Uncertain significance. Last evaluated: 2025-06-04. Review status: criteria provided, single submitter. Criteria: GeneDx Variant Classification Process June 2021. Collection method: clinical testing. Allele origin: germline. Affected: yes.
Comment: Not observed at significant frequency in large population cohorts (gnomAD); In silico analysis supports that this missense variant has a deleterious effect on protein structure/function; Has not been previously published as pathogenic or benign to our knowledge

Ambry Genetics
Classification: Uncertain significance for Inborn genetic diseases. Last evaluated: 2023-08-22. Review status: criteria provided, single submitter. Criteria: Ambry Variant Classification Scheme 2023. Collection method: clinical testing. Allele origin: germline.

Labcorp Genetics (formerly Invitae), Labcorp
Classification: Uncertain significance for Bethlem myopathy 2; Ullrich congenital muscular dystrophy 2. Last evaluated: 2018-12-05. Review status: criteria provided, single submitter. Criteria: Invitae Variant Classification Sherloc (09022015). Collection method: clinical testing. Allele origin: germline.
Comment: In summary, the available evidence is currently insufficient to determine the role of this variant in disease. Therefore, it has been classified as a Variant of Uncertain Significance. Algorithms developed to predict the effect of missense changes on protein structure and function are either unavailable or do not agree on the potential impact of this missense change (SIFT: "Deleterious"; PolyPhen-2: "Probably Damaging"; Align-GVGD: "Class C0"). This variant has not been reported in the literature in individuals with COL12A1-related disease. This variant is not present in population databases (ExAC no frequency). This sequence change replaces tyrosine with histidine at codon 1630 of the COL12A1 protein (p.Tyr1630His). The tyrosine residue is highly conserved and there is a moderate physicochemical difference between tyrosine and histidine.